The following is an entry in ClinVar:

ClinVar aggregate classification (germline): Likely benign (0 of 4 stars; one submission).

Conditions:
HNRNPUL2-related disorder. Also called: HNRNPUL2-related condition.

Allele frequency attached by ClinVar (database versions not stated): 1000 Genomes Project 0.00020; 1000 Genomes Project 30x 0.00047; ESP Exome Variant Server 0.00066; ExAC 0.00200; TOPMed 0.00224.
gnomAD v4.1: 5,058 of 1,446,010 alleles (0.35%); highest among the groups gnomAD compares: Non-Finnish European, 0.42%; 19 homozygotes.

Submission:

PreventionGenetics, part of Exact Sciences
Classification: Likely benign for HNRNPUL2-related condition. Last evaluated: 2022-05-16. Review status: no assertion criteria provided. Collection method: clinical testing. Allele origin: germline.
Comment: This variant is classified as likely benign based on ACMG/AMP sequence variant interpretation guidelines (Richards et al. 2015 PMID: 25741868, with internal and published modifications).

NM_001079559.3(HNRNPUL2):c.195C>T (p.Ala65=)

Genes: HNRNPUL2 (heterogeneous nuclear ribonucleoprotein U like 2; minus strand), HNRNPUL2-BSCL2 (HNRNPUL2-BSCL2 readthrough (NMD candidate); minus strand), LOC130005850 (ATAC-STARR-seq lymphoblastoid silent region 3427; plus strand). Cytogenetic location: 11q12.3.
Variant type: single nucleotide variant.
Coding change: c.195C>T on transcript NM_001079559.3 (MANE Select); coding-DNA position 195, C replaced by T.
Protein change: p.Ala65=; no amino-acid change (alanine 65 retained).
Molecular consequence: synonymous variant. On other transcripts: non-coding transcript variant (1).
Genome position (GRCh38, 1-based): chr11:62,726,962, G>A on the plus strand (C>T on the coding strand, the complement: HNRNPUL2 is on the minus strand). VCF-style: chr11-62726962-G-A. GRCh37 (hg19) VCF-style: chr11-62494434-G-A.
Identifiers: ClinVar variation 3050756 (VCV003050756.2), dbSNP rs376882579, ClinGen allele CA6054428.
Genomic context (GRCh38, chr11:62,726,962, plus strand): 5'-GTCCTCCTCCTCCTCCTCTTCGTCCTCCTCCTCGTCCCCGCCCGGGCCGCCGCCCGACGC[G>A]GCCACAGGCCGAGGCTCCGCCTTGCAGGCCCCGCCGGGCCCGGCCCCGCCGCCGCCGGCC-3'
Protein context (NP_001073027.1, residues 55-75): GACKAEPRPV[Ala65=]ASGGGPGGDE